The following is an entry in ClinVar:

ClinVar aggregate classification (germline): Uncertain significance. Review status: criteria provided, multiple submitters, no conflicts (2 of 4 stars). 2 submissions from 2 submitters: Uncertain significance (2). Last evaluated 2024-11-28.

Allele frequency attached by ClinVar (database versions not stated): gnomAD 0.00001; gnomAD exomes 0.00001.
gnomAD v4.1: 11 of 1,603,988 alleles (0.00069%); highest among the groups gnomAD compares: East Asian, 0.0023%; no homozygotes.

Submissions (2):

Labcorp Genetics (formerly Invitae), Labcorp
Classification: Uncertain significance. Last evaluated: 2024-11-28. Review status: criteria provided, single submitter. Criteria: Invitae Variant Classification Sherloc (09022015). Collection method: clinical testing. Allele origin: germline.
Comment: This sequence change replaces glycine, which is neutral and non-polar, with serine, which is neutral and polar, at codon 149 of the OSBPL2 protein (p.Gly149Ser). The frequency data for this variant in the population databases is considered unreliable, as metrics indicate poor data quality at this position in the gnomAD database. This variant has not been reported in the literature in individuals affected with OSBPL2-related conditions. ClinVar contains an entry for this variant (Variation ID: 2575601). An algorithm developed to predict the effect of missense changes on protein structure and function (PolyPhen-2) suggests that this variant is likely to be disruptive. In summary, the available evidence is currently insufficient to determine the role of this variant in disease. Therefore, it has been classified as a Variant of Uncertain Significance.

GeneDx
Classification: Uncertain significance. Last evaluated: 2023-02-10. Review status: criteria provided, single submitter. Criteria: GeneDx Variant Classification Process June 2021. Collection method: clinical testing. Allele origin: germline. Affected: yes.
Comment: Not observed at significant frequency in large population cohorts (gnomAD); In silico analysis supports that this missense variant has a deleterious effect on protein structure/function; Has not been previously published as pathogenic or benign to our knowledge

NM_144498.4(OSBPL2):c.445G>A (p.Gly149Ser)

Gene: OSBPL2 (oxysterol binding protein like 2; plus strand). Cytogenetic location: 20q13.33.
Variant type: single nucleotide variant.
Coding change: c.445G>A on transcript NM_144498.4 (MANE Select); coding-DNA position 445, G replaced by A.
Protein change: p.Gly149Ser; replaces glycine 149 with serine.
Molecular consequence: missense variant.
Genome position (GRCh38, 1-based): chr20:62,273,360, G>A. VCF-style: chr20-62273360-G-A. GRCh37 (hg19) VCF-style: chr20-60848416-G-A.
Other names: c.169G>A, p.Gly57Ser (NM_001278649.3, NM_001363878.2); c.409G>A, p.Gly137Ser (NM_014835.5); short protein forms G137S, G149S, G57S.
Identifiers: ClinVar variation 2575601 (VCV002575601.3), dbSNP rs909094863, ClinGen allele CA409540702.
Genomic context (GRCh38, chr20:62,273,360, plus strand): 5'-TATTTACAGTCTGTGGCTGCTTTTGCTGTTTCGGCTGTGGCTTCCCAGTGGGAGAGGACC[G>A]GCAAACCATTTAATCCACTCTTGGGAGAAACGTATGAATTAATCAGGTAAGGGGGGAAAG-3'
Protein context (NP_653081.1, residues 139-159): SAVASQWERT[Gly149Ser]KPFNPLLGET